The following is an entry in ClinVar:

NM_001322934.2(NFKB2):c.1470-8A>T

Gene: NFKB2 (nuclear factor kappa B subunit 2; plus strand). Cytogenetic location: 10q24.32.
Variant type: single nucleotide variant.
Coding change: c.1470-8A>T on transcript NM_001322934.2 (MANE Select); 8 bases into the intron before coding-DNA position 1470, A replaced by T.
Molecular consequence: intron variant.
Genome position (GRCh38, 1-based): chr10:102,400,072, A>T. VCF-style: chr10-102400072-A-T. GRCh37 (hg19) VCF-style: chr10-104159829-A-T.
Other names: c.1470-8A>T (NM_001288724.1, NM_001077494.3, NM_001261403.3 and 1 more transcripts); c.1344-8A>T (NM_001322935.1).
Identifiers: ClinVar variation 1541467 (VCV001541467.10), dbSNP rs747203380, ClinGen allele CA5664831.

ClinVar aggregate classification (germline): Likely benign. Review status: criteria provided, single submitter (1 of 4 stars). 2 submissions from 2 submitters: Likely benign (1). 1 of the submissions does not count toward it. Last evaluated 2022-08-31.

Conditions:
NFKB2-related disorder. Also called: NFKB2-related condition.
Immunodeficiency, common variable, 10. Also called: DEFICIT IN ANTERIOR PITUITARY FUNCTION AND VARIABLE IMMUNODEFICIENCY; IMMUNODEFICIENCY, COMMON VARIABLE, WITH CENTRAL ADRENAL INSUFFICIENCY. Identifiers: MedGen C3809991, MONDO:0014260, OMIM 615577.

Allele frequency attached by ClinVar (database versions not stated): gnomAD exomes below 0.00001 and 0.00001; ExAC 0.00001; gnomAD 0.00003 and 0.00004; TOPMed 0.00003.

Submissions (2):

Labcorp Genetics (formerly Invitae), Labcorp
Classification: Likely benign for Immunodeficiency, common variable, 10. Last evaluated: 2022-08-31. Review status: criteria provided, single submitter. Criteria: Invitae Variant Classification Sherloc (09022015). Collection method: clinical testing. Allele origin: germline.

PreventionGenetics, part of Exact Sciences
Classification: Likely benign for NFKB2-related condition. Last evaluated: 2022-10-24. Review status: no assertion criteria provided. Collection method: clinical testing. Allele origin: germline. Not counted in ClinVar's aggregate classification.
Comment: This variant is classified as likely benign based on ACMG/AMP sequence variant interpretation guidelines (Richards et al. 2015 PMID: 25741868, with internal and published modifications).